The following is an entry in ClinVar:

NM_030962.4(SBF2):c.3223C>T (p.Arg1075Cys)

Genes: SBF2 (SET binding factor 2; minus strand), LOC101928008 (uncharacterized LOC101928008; plus strand). Cytogenetic location: 11p15.4.
Variant type: single nucleotide variant.
Coding change: c.3223C>T on transcript NM_030962.4 (MANE Select); coding-DNA position 3223, C replaced by T.
Protein change: p.Arg1075Cys; replaces arginine 1075 with cysteine.
Molecular consequence: missense variant.
Genome position (GRCh38, 1-based): chr11:9,842,658, G>A on the plus strand (C>T on the coding strand, the complement: SBF2 is on the minus strand). VCF-style: chr11-9842658-G-A. GRCh37 (hg19) VCF-style: chr11-9864205-G-A.
Other names: c.3223C>T, p.Arg1075Cys (NM_001386339.1); c.3094C>T, p.Arg1032Cys (NM_001386342.1); c.3223C>T (NM_030962.3); short protein forms R1075C, R1032C.
Identifiers: ClinVar variation 1010656 (VCV001010656.7), dbSNP rs750021823, ClinGen allele CA5881344.

ClinVar aggregate classification (germline): Uncertain significance. Review status: criteria provided, multiple submitters, no conflicts (2 of 4 stars). 2 submissions from 2 submitters: Uncertain significance (2). Last evaluated 2022-08-05.

Conditions:
Charcot-Marie-Tooth disease type 4. Also called: Charcot-Marie-Tooth disease, type IV; Charcot-Marie-Tooth, Type 4. Identifiers: Orphanet 64749, MedGen C4082197, MONDO:0018995.
Inborn genetic diseases. Identifiers: MedGen C0950123, MeSH D030342.

Allele frequency attached by ClinVar (database versions not stated): gnomAD exomes 0.00002 and 0.00006; ExAC 0.00006; TOPMed 0.00010; gnomAD 0.00018 and 0.00019.
gnomAD v4.1: 62 of 1,613,868 alleles (0.0038%); highest among the groups gnomAD compares: Admixed American, 0.05%; no homozygotes.

Submissions (2):

Labcorp Genetics (formerly Invitae), Labcorp
Classification: Uncertain significance for Charcot-Marie-Tooth disease type 4. Last evaluated: 2022-08-05. Review status: criteria provided, single submitter. Criteria: Invitae Variant Classification Sherloc (09022015). Collection method: clinical testing. Allele origin: germline.
Comment: This sequence change replaces arginine, which is basic and polar, with cysteine, which is neutral and slightly polar, at codon 1075 of the SBF2 protein (p.Arg1075Cys). This variant is present in population databases (rs750021823, gnomAD 0.01%). This variant has not been reported in the literature in individuals affected with SBF2-related conditions. ClinVar contains an entry for this variant (Variation ID: 1010656). Algorithms developed to predict the effect of missense changes on protein structure and function are either unavailable or do not agree on the potential impact of this missense change (SIFT: "Deleterious"; PolyPhen-2: "Possibly Damaging"; Align-GVGD: "Class C0"). In summary, the available evidence is currently insufficient to determine the role of this variant in disease. Therefore, it has been classified as a Variant of Uncertain Significance.

Ambry Genetics
Classification: Uncertain significance for Inborn genetic diseases. Last evaluated: 2021-08-17. Review status: criteria provided, single submitter. Criteria: Ambry Variant Classification Scheme 2023. Collection method: clinical testing. Allele origin: germline.